The following is an entry in ClinVar:

NM_016955.4(SEPSECS):c.531dup (p.Ser178fs)

Gene: SEPSECS (Sep (O-phosphoserine) tRNA:Sec (selenocysteine) tRNA synthase; minus strand). Cytogenetic location: 4p15.2.
Variant type: Duplication.
Coding change: c.531dup on transcript NM_016955.4 (MANE Select); coding-DNA position 531, one base duplicated (A; older notation c.531dupA).
Protein change: p.Ser178fs; shifts the reading frame from serine 178.
Molecular consequence: frameshift variant.
Genome position (GRCh38, 1-based): chr4:25,156,053, T duplicated on the plus strand (A on the coding strand, the reverse complement: SEPSECS is on the minus strand); the first of 3 consecutive T bases (chr4:25,156,053-25,156,055); duplicating any one gives the same sequence. VCF-style (leftmost placement, unchanged base first): chr4-25156052-A-AT. GRCh37 (hg19) VCF-style: chr4-25157674-A-AT.
Other names: c.784dup, p.Ser263Ilefs (NM_001410714.1); c.529dup, p.Ser178Ilefs (NM_153825.2); short protein forms S178fs.
Identifiers: ClinVar variation 2126237 (VCV002126237.4), dbSNP rs2474680293, ClinGen allele CA2580070934.
Genomic context (GRCh38, chr4:25,156,052, plus strand): 5'-TCATAATTATGATGTTTAAAACATTATGTATGACACTTCTCTTACCTGCAGTGATCATGG[A>AT]TTTAAAGCAGGACTTCTGGTCTATTCGTGGCCATATAATATACTTTGCCTTTGGTCTTTT-3'

ClinVar aggregate classification (germline): Pathogenic (1 of 4 stars; one submission).

Submission:

Labcorp Genetics (formerly Invitae), Labcorp
Classification: Pathogenic. Last evaluated: 2022-04-15. Review status: criteria provided, single submitter. Criteria: Invitae Variant Classification Sherloc (09022015). Collection method: clinical testing. Allele origin: germline.
Comment: For these reasons, this variant has been classified as Pathogenic. This variant has not been reported in the literature in individuals affected with SEPSECS-related conditions. This variant is not present in population databases (gnomAD no frequency). This sequence change creates a premature translational stop signal (p.Ser178Ilefs*8) in the SEPSECS gene. It is expected to result in an absent or disrupted protein product. Loss-of-function variants in SEPSECS are known to be pathogenic (PMID: 25558065, 25590979, 26115735).

Literature cited by the submitters: PubMed 25558065; PubMed 25590979; PubMed 26115735.